The following is an entry in ClinVar:

NM_003738.5(PTCH2):c.2627C>G (p.Ala876Gly)

Gene: PTCH2 (patched 2; minus strand). Cytogenetic location: 1p34.1.
Variant type: single nucleotide variant.
Coding change: c.2627C>G on transcript NM_003738.5 (MANE Select); coding-DNA position 2627, C replaced by G.
Protein change: p.Ala876Gly; replaces alanine 876 with glycine.
Molecular consequence: missense variant.
Genome position (GRCh38, 1-based): chr1:44,826,970, G>C on the plus strand (C>G on the coding strand, the complement: PTCH2 is on the minus strand). VCF-style: chr1-44826970-G-C. GRCh37 (hg19) VCF-style: chr1-45292642-G-C.
Other names: c.2627C>G, p.Ala876Gly (NM_001166292.2); short protein forms A876G.
Identifiers: ClinVar variation 2384755 (VCV002384755.5), dbSNP rs969125265, ClinGen allele CA21743977.

ClinVar aggregate classification (germline): Uncertain significance. Review status: criteria provided, multiple submitters, no conflicts (2 of 4 stars). 2 submissions from 2 submitters: Uncertain significance (2). Last evaluated 2025-01-14.

Conditions:
Gorlin syndrome. Also called: Basal cell nevus syndrome; Nevoid Basal Cell Carcinoma Syndrome. Identifiers: Orphanet 377, MedGen C0004779, MONDO:0007187.

Allele frequency attached by ClinVar (database versions not stated): TOPMed below 0.00001; gnomAD 0.00001; gnomAD exomes 0.00001.
gnomAD v4.1: 8 of 1,613,930 alleles (0.0005%); highest among the groups gnomAD compares: Non-Finnish European, 0.00068%; no homozygotes.

Submissions (2):

Labcorp Genetics (formerly Invitae), Labcorp
Classification: Uncertain significance for Gorlin syndrome. Last evaluated: 2025-01-14. Review status: criteria provided, single submitter. Criteria: Invitae Variant Classification Sherloc (09022015). Collection method: clinical testing. Allele origin: germline.
Comment: This sequence change replaces alanine, which is neutral and non-polar, with glycine, which is neutral and non-polar, at codon 876 of the PTCH2 protein (p.Ala876Gly). This variant is present in population databases (no rsID available, gnomAD 0.002%). This variant has not been reported in the literature in individuals affected with PTCH2-related conditions. ClinVar contains an entry for this variant (Variation ID: 2384755). Invitae Evidence Modeling of protein sequence and biophysical properties (such as structural, functional, and spatial information, amino acid conservation, physicochemical variation, residue mobility, and thermodynamic stability) indicates that this missense variant is not expected to disrupt PTCH2 protein function with a negative predictive value of 80%. In summary, the available evidence is currently insufficient to determine the role of this variant in disease. Therefore, it has been classified as a Variant of Uncertain Significance.

Ambry Genetics
Classification: Uncertain significance. Last evaluated: 2024-09-07. Review status: criteria provided, single submitter. Criteria: Ambry Variant Classification Scheme 2023. Collection method: clinical testing. Allele origin: germline.